The following is an entry in ClinVar:

ClinVar aggregate classification (germline): Conflicting classifications of pathogenicity. Review status: criteria provided, conflicting classifications (1 of 4 stars). 4 submissions from 4 submitters: Uncertain significance (1); Benign (1); Likely benign (1). 1 of the submissions does not count toward it. Last evaluated 2024-11-05.

Conditions:
AKT2-related disorder. Also called: AKT2-related condition.
Hypoinsulinemic hypoglycemia and body hemihypertrophy. Also called: Hypoinsulinemic hypoglycemia and hemihypertrophy. Identifiers: Orphanet 293964, MedGen C3278384, MONDO:0009416, OMIM 240900.
Type 2 diabetes mellitus. Also called: Type II diabetes mellitus. Identifiers: MedGen C0011860, MeSH D003924, MONDO:0005148, OMIM 125853, HP:0005978.

Allele frequency attached by ClinVar (database versions not stated): gnomAD exomes 0.00006 and 0.00012; ExAC 0.00021; gnomAD 0.00032 and 0.00036; TOPMed 0.00036; 1000 Genomes Project 0.00040; 1000 Genomes Project 30x 0.00047; ESP Exome Variant Server 0.00062.
gnomAD v4.1: 136 of 1,614,026 alleles (0.0084%); highest among the groups gnomAD compares: African/African-American, 0.11%; no homozygotes.

Submissions (4):

Labcorp Genetics (formerly Invitae), Labcorp
Classification: Benign for Hypoinsulinemic hypoglycemia and body hemihypertrophy; Type 2 diabetes mellitus. Last evaluated: 2024-11-05. Review status: criteria provided, single submitter. Criteria: Invitae Variant Classification Sherloc (09022015). Collection method: clinical testing. Allele origin: germline.

Genetic Services Laboratory, University of Chicago
Classification: Likely benign. Last evaluated: 2019-04-20. Review status: criteria provided, single submitter. Criteria: ACMG Guidelines, 2015. Collection method: clinical testing. Allele origin: germline. Affected: no.

Clinical Genomics, Uppaluri K&H Personalized Medicine Clinic
Classification: Uncertain significance for Type 2 diabetes mellitus. Review status: criteria provided, single submitter. Criteria: K And H Uppaluri Personalized Medicine Clinic Variant Classification And Assertion Criteria Updated V 2. Collection method: research. Allele origin: unknown. Inheritance: Autosomal dominant inheritance.
Comment: Potent mutationsin AKT2 gene are associated with familial partial lipodystrophy and in terms of metabolic abnormality, can present with insulin resistance, hyperglycemia and diabetes.However, more evidence is required to confer the association of this particular variant rs139479466 with Diabetes

PreventionGenetics, part of Exact Sciences
Classification: Likely benign for AKT2-related condition. Last evaluated: 2019-03-06. Review status: no assertion criteria provided. Collection method: clinical testing. Allele origin: germline. Not counted in ClinVar's aggregate classification.
Comment: This variant is classified as likely benign based on ACMG/AMP sequence variant interpretation guidelines (Richards et al. 2015 PMID: 25741868, with internal and published modifications).

Literature cited by the submitters: PubMed 16722806 (cited by Clinical Genomics, Uppaluri K&H Personalized Medicine Clinic); PubMed 21518566 (cited by Clinical Genomics, Uppaluri K&H Personalized Medicine Clinic); PubMed 15166380 (cited by Clinical Genomics, Uppaluri K&H Personalized Medicine Clinic).

NM_001626.6(AKT2):c.204G>A (p.Pro68=)

Gene: AKT2 (AKT serine/threonine kinase 2; minus strand). Cytogenetic location: 19q13.2.
Variant type: single nucleotide variant.
Coding change: c.204G>A on transcript NM_001626.6 (MANE Select); coding-DNA position 204, G replaced by A.
Protein change: p.Pro68=; no amino-acid change (proline 68 retained).
Molecular consequence: synonymous variant.
Genome position (GRCh38, 1-based): chr19:40,255,241, C>T on the plus strand (G>A on the coding strand, the complement: AKT2 is on the minus strand). VCF-style: chr19-40255241-C-T. GRCh37 (hg19) VCF-style: chr19-40761148-C-T.
Other names: c.18G>A, p.Pro6= (NM_001243027.3, NM_001243028.3); c.204G>A, p.Pro68= (NM_001330511.1).
Identifiers: ClinVar variation 707033 (VCV000707033.15), dbSNP rs139479466, ClinGen allele CA9441946.